The following is an entry in ClinVar:

ClinVar aggregate classification (germline): Conflicting classifications of pathogenicity. Review status: criteria provided, conflicting classifications (1 of 4 stars). 2 submissions from 2 submitters: Uncertain significance (1); Likely benign (1). Last evaluated 2025-02-03.

Conditions:
Hereditary cancer-predisposing syndrome. Also called: Hereditary Cancer Syndrome; Tumor predisposition; Neoplastic Syndromes, Hereditary; Hereditary neoplastic syndrome. Identifiers: Orphanet 140162, MedGen C0027672, MeSH D009386, MONDO:0015356.
Tuberous sclerosis 1 (TSC1). Identifiers: Orphanet 805, MedGen C1854465, MONDO:0008612, OMIM 191100.

Submissions (2):

Ambry Genetics
Classification: Likely benign for Hereditary cancer-predisposing syndrome. Last evaluated: 2025-02-03. Review status: criteria provided, single submitter. Criteria: Ambry Variant Classification Scheme 2023. Collection method: clinical testing. Allele origin: germline.

Labcorp Genetics (formerly Invitae), Labcorp
Classification: Uncertain significance for Tuberous sclerosis 1. Last evaluated: 2022-03-04. Review status: criteria provided, single submitter. Criteria: Invitae Variant Classification Sherloc (09022015). Collection method: clinical testing. Allele origin: germline.
Comment: This sequence change replaces arginine, which is basic and polar, with lysine, which is basic and polar, at codon 1022 of the TSC1 protein (p.Arg1022Lys). In summary, the available evidence is currently insufficient to determine the role of this variant in disease. Therefore, it has been classified as a Variant of Uncertain Significance. Algorithms developed to predict the effect of missense changes on protein structure and function output the following: SIFT: "Tolerated"; PolyPhen-2: "Benign"; Align-GVGD: "Class C0". The lysine amino acid residue is found in multiple mammalian species, which suggests that this missense change does not adversely affect protein function. This variant has not been reported in the literature in individuals affected with TSC1-related conditions. This variant is not present in population databases (gnomAD no frequency).

NM_000368.5(TSC1):c.3065G>A (p.Arg1022Lys)

Gene: TSC1 (TSC complex subunit 1; minus strand). Cytogenetic location: 9q34.13.
Variant type: single nucleotide variant.
Coding change: c.3065G>A on transcript NM_000368.5 (MANE Select); coding-DNA position 3065, G replaced by A.
Protein change: p.Arg1022Lys; replaces arginine 1022 with lysine.
Molecular consequence: missense variant.
Genome position (GRCh38, 1-based): chr9:132,896,665, C>T on the plus strand (G>A on the coding strand, the complement: TSC1 is on the minus strand). VCF-style: chr9-132896665-C-T. GRCh37 (hg19) VCF-style: chr9-135772052-C-T.
Other names: c.3062G>A, p.Arg1021Lys (NM_001162426.2, NM_001406597.1, NM_001406598.1 and 2 more transcripts); c.2912G>A, p.Arg971Lys (NM_001162427.2, NM_001406610.1); c.2702G>A, p.Arg901Lys (NM_001362177.2, NM_001406614.1, NM_001406615.1 and 4 more transcripts); c.3065G>A, p.Arg1022Lys (NM_001406592.1, NM_001406593.1, NM_001406594.1 and 2 more transcripts); c.3020G>A, p.Arg1007Lys (NM_001406608.1, NM_001406609.1); c.2909G>A, p.Arg970Lys (NM_001406611.1, NM_001406612.1); c.2867G>A, p.Arg956Lys (NM_001406613.1); c.2111G>A, p.Arg704Lys (NM_001406627.1, NM_001406628.1); and 8 more; short protein forms R1007K, R1008K, R1022K, R704K, R705K, R971K, R886K, R887K.
Identifiers: ClinVar variation 2106993 (VCV002106993.5), dbSNP rs1392262248, ClinGen allele CA375367632.